The following is an entry in ClinVar:

ClinVar aggregate classification (germline): Uncertain significance (1 of 4 stars; one submission).

Allele frequency attached by ClinVar (database versions not stated): TOPMed below 0.00001.

Submission:

Labcorp Genetics (formerly Invitae), Labcorp
Classification: Uncertain significance. Last evaluated: 2023-12-16. Review status: criteria provided, single submitter. Criteria: Invitae Variant Classification Sherloc (09022015). Collection method: clinical testing. Allele origin: germline.
Comment: This sequence change replaces glycine, which is neutral and non-polar, with valine, which is neutral and non-polar, at codon 3216 of the LRP2 protein (p.Gly3216Val). This variant is not present in population databases (gnomAD no frequency). This variant has not been reported in the literature in individuals affected with LRP2-related conditions. Advanced modeling of protein sequence and biophysical properties (such as structural, functional, and spatial information, amino acid conservation, physicochemical variation, residue mobility, and thermodynamic stability) performed at Invitae indicates that this missense variant is not expected to disrupt LRP2 protein function with a negative predictive value of 80%. Algorithms developed to predict the effect of sequence changes on RNA splicing suggest that this variant may create or strengthen a splice site. In summary, the available evidence is currently insufficient to determine the role of this variant in disease. Therefore, it has been classified as a Variant of Uncertain Significance.

NM_004525.3(LRP2):c.9647G>T (p.Gly3216Val)

Gene: LRP2 (LDL receptor related protein 2; minus strand). Cytogenetic location: 2q31.1.
Variant type: single nucleotide variant.
Coding change: c.9647G>T on transcript NM_004525.3 (MANE Select); coding-DNA position 9647, G replaced by T.
Protein change: p.Gly3216Val; replaces glycine 3216 with valine.
Molecular consequence: missense variant.
Genome position (GRCh38, 1-based): chr2:169,185,701, C>A on the plus strand (G>T on the coding strand, the complement: LRP2 is on the minus strand). VCF-style: chr2-169185701-C-A. GRCh37 (hg19) VCF-style: chr2-170042211-C-A.
Other names: short protein forms G3216V.
Identifiers: ClinVar variation 2703598 (VCV002703598.3), dbSNP rs1559002602, ClinGen allele CA349153769.